The following is an entry in ClinVar:

NM_000152.5(GAA):c.2051dup (p.Tyr685fs)

Gene: GAA (alpha glucosidase; plus strand). Cytogenetic location: 17q25.3.
Variant type: Duplication.
Coding change: c.2051dup on transcript NM_000152.5 (MANE Select); coding-DNA position 2051, one base duplicated (C; older notation c.2051dupC).
Protein change: p.Tyr685fs; shifts the reading frame from tyrosine 685.
Molecular consequence: frameshift variant.
Genome position (GRCh38, 1-based): chr17:80,113,228, C duplicated; the last of 2 consecutive C bases (chr17:80,113,227-80,113,228); duplicating either gives the same sequence. VCF-style (leftmost placement, unchanged base first): chr17-80113226-G-GC. GRCh37 (hg19) VCF-style: chr17-78087025-G-GC.
Other names: c.2051dup, p.Tyr685fs (NM_001079803.3, NM_001079804.3, NM_001406741.1 and 1 more transcripts); short protein forms Y685fs.
Identifiers: ClinVar variation 5014369 (VCV005014369.1).

ClinVar aggregate classification (germline): Pathogenic (1 of 4 stars; one submission).

Conditions:
Glycogen storage disease, type II (IOPD). Also called: CARDIOMEGALIA GLYCOGENICA DIFFUSA; GLYCOGENOSIS, GENERALIZED, CARDIAC FORM; GSD II; Glycogen storage disease type 2; Acid maltase deficiency disease; Aglucosidase alfa. Identifiers: Orphanet 365, MedGen C0017921, MONDO:0009290, OMIM 232300.

Submission:

Myriad Genetics, Inc.
Classification: Pathogenic for Glycogen storage disease, type II. Last evaluated: 2025-05-01. Review status: criteria provided, single submitter. Criteria: Myriad Autosomal Dominant, Autosomal Recessive and X-Linked Classification Criteria (2023). Collection method: clinical testing. Allele origin: unknown.
Comment: NM_000152.3(GAA):c.2051dupC(Y685Vfs*52) is expected to be pathogenic in the context of Pompe disease. This variant is predicted to lead to an abnormal or absent protein product due to the creation of a premature termination codon in GAA, a gene where loss-of-function variants are known to be pathogenic. Please note: this variant was assessed in the context of healthy population screening.